The following is an entry in ClinVar:

NM_206933.4(USH2A):c.3428C>A (p.Thr1143Lys)

Genes: USH2A (usherin; minus strand), USH2A-AS1 (USH2A antisense RNA 1; plus strand). Cytogenetic location: 1q41.
Variant type: single nucleotide variant.
Coding change: c.3428C>A on transcript NM_206933.4 (MANE Select); coding-DNA position 3428, C replaced by A.
Protein change: p.Thr1143Lys; replaces threonine 1143 with lysine.
Molecular consequence: missense variant.
Genome position (GRCh38, 1-based): chr1:216,200,010, G>T on the plus strand (C>A on the coding strand, the complement: USH2A is on the minus strand). VCF-style: chr1-216200010-G-T. GRCh37 (hg19) VCF-style: chr1-216373352-G-T.
Other names: c.3428C>A, p.Thr1143Lys (NM_007123.6); short protein forms T1143K.
Identifiers: ClinVar variation 2700722 (VCV002700722.3), dbSNP rs2034947035, ClinGen allele CA344868684.

ClinVar aggregate classification (germline): Uncertain significance (1 of 4 stars; one submission).

Allele frequency attached by ClinVar (database versions not stated): gnomAD exomes below 0.00001.
gnomAD v4.1: 1 of 1,614,006 alleles (0.000062%); highest among the groups gnomAD compares: East Asian, 0.0022%; no homozygotes.

Submission:

Labcorp Genetics (formerly Invitae), Labcorp
Classification: Uncertain significance. Last evaluated: 2023-12-17. Review status: criteria provided, single submitter. Criteria: Invitae Variant Classification Sherloc (09022015). Collection method: clinical testing. Allele origin: germline.
Comment: This sequence change replaces threonine, which is neutral and polar, with lysine, which is basic and polar, at codon 1143 of the USH2A protein (p.Thr1143Lys). This variant is not present in population databases (gnomAD no frequency). This variant has not been reported in the literature in individuals affected with USH2A-related conditions. Advanced modeling of protein sequence and biophysical properties (such as structural, functional, and spatial information, amino acid conservation, physicochemical variation, residue mobility, and thermodynamic stability) performed at Invitae indicates that this missense variant is expected to disrupt USH2A protein function with a positive predictive value of 95%. In summary, the available evidence is currently insufficient to determine the role of this variant in disease. Therefore, it has been classified as a Variant of Uncertain Significance.